The following is an entry in ClinVar:

NM_001127222.2(CACNA1A):c.4950+6T>C

Gene: CACNA1A (calcium voltage-gated channel subunit alpha1 A; minus strand). Cytogenetic location: 19p13.13.
Variant type: single nucleotide variant.
Coding change: c.4950+6T>C on transcript NM_001127222.2 (MANE Select); 6 bases into the intron after coding-DNA position 4950, T replaced by C.
Molecular consequence: intron variant.
Genome position (GRCh38, 1-based): chr19:13,245,176, A>G on the plus strand (T>C on the coding strand, the complement: CACNA1A is on the minus strand). VCF-style: chr19-13245176-A-G. GRCh37 (hg19) VCF-style: chr19-13355990-A-G.
Other names: c.4953+6T>C (NM_001127221.2, NM_001174080.2); c.4962+6T>C (NM_000068.4, NM_023035.3).
Identifiers: ClinVar variation 2501445 (VCV002501445.2), dbSNP rs2512689958, ClinGen allele CA2576642138.

ClinVar aggregate classification (germline): Uncertain significance (1 of 4 stars; one submission).

Submission:

GeneDx
Classification: Uncertain significance. Last evaluated: 2023-05-11. Review status: criteria provided, single submitter. Criteria: GeneDx Variant Classification Process June 2021. Collection method: clinical testing. Allele origin: germline. Affected: yes.
Comment: Not observed at significant frequency in large population cohorts (gnomAD); In silico analysis supports that this variant does not alter splicing; Has not been previously published as pathogenic or benign to our knowledge